The following is an entry in ClinVar:

NM_000051.4(ATM):c.6765del (p.Leu2255_Val2256insTer)

Genes: ATM (ATM serine/threonine kinase; plus strand), C11orf65 (chromosome 11 open reading frame 65; minus strand). Cytogenetic location: 11q22.3.
Variant type: Deletion.
Coding change: c.6765del on transcript NM_000051.4 (MANE Select); coding-DNA position 6765, one base deleted (T; older notation c.6765delT).
Protein change: p.Leu2255_Val2256insTer.
Molecular consequence: frameshift variant. On other transcripts: intron variant (2).
Genome position (GRCh38, 1-based): chr11:108,325,502, T deleted; the last of 2 consecutive T bases (chr11:108,325,501-108,325,502); deleting either gives the same sequence. VCF-style (leftmost placement, unchanged base first): chr11-108325500-CT-C. GRCh37 (hg19) VCF-style: chr11-108196227-CT-C.
Other names: c.6765del, p.Leu2255_Val2256insTer (NM_001351834.2); c.641-16430del (NM_001330368.2); c.*38+9719del (NM_001351110.2).
Identifiers: ClinVar variation 1453853 (VCV001453853.8), dbSNP rs949695076, ClinGen allele CA228412129.

ClinVar aggregate classification (germline): Pathogenic (1 of 4 stars; one submission).

Conditions:
Ataxia-telangiectasia syndrome (AT). Also called: Ataxia-telangiectasia; LOUIS-BAR SYNDROME; Ataxia-telangiectasia, complementation group D; AT, COMPLEMENTATION GROUP C; ATAXIA-TELANGIECTASIA, COMPLEMENTATION GROUP A; ATAXIA-TELANGIECTASIA, FRESNO VARIANT. Identifiers: Orphanet 100, MedGen C0004135, MONDO:0008840, OMIM 208900.

Submission:

Labcorp Genetics (formerly Invitae), Labcorp
Classification: Pathogenic for Ataxia-telangiectasia syndrome. Last evaluated: 2021-10-23. Review status: criteria provided, single submitter. Criteria: Invitae Variant Classification Sherloc (09022015). Collection method: clinical testing. Allele origin: germline.
Comment: This sequence change creates a premature translational stop signal (p.Val2256*) in the ATM gene. It is expected to result in an absent or disrupted protein product. Loss-of-function variants in ATM are known to be pathogenic (PMID: 23807571, 25614872). This variant is not present in population databases (ExAC no frequency). This variant has not been reported in the literature in individuals affected with ATM-related conditions. For these reasons, this variant has been classified as Pathogenic.

Literature cited by the submitters: PubMed 23807571; PubMed 25614872.